The following is an entry in ClinVar:

NM_000169.3(GLA):c.370-683_640-349del

Genes: GLA (galactosidase alpha; minus strand), RPL36A-HNRNPH2 (RPL36A-HNRNPH2 readthrough; plus strand). Cytogenetic location: Xq22.1.
Variant type: Deletion.
Coding change: c.370-683_640-349del on transcript NM_000169.3 (MANE Select); 683 bases into the intron before coding-DNA position 370 through 349 bases into the intron before coding-DNA position 640, 3,198 bases deleted.
Molecular consequence: splice acceptor variant, splice donor variant. On other transcripts: intron variant (2).
Genome position (GRCh38, 1-based): chrX:101,399,295-101,402,492, 3,198 bases deleted. GRCh37 (hg19): chrX:100,654,321-100,657,518.
Other names: c.300+3876_300+7073del (NM_001199973.2); c.177+7511_178-9406del (NM_001199974.2); c.493-683_763-349del (NM_001406747.1); c.370-683_640-349del (NM_001406748.1).
Identifiers: ClinVar variation 4856603 (VCV004856603.1).

ClinVar aggregate classification (germline): Pathogenic (1 of 4 stars; one submission).

Conditions:
Fabry disease. Also called: Fabry's disease; GLA DEFICIENCY; HEREDITARY DYSTOPIC LIPIDOSIS; Ceramide trihexosidosis; Angiokeratoma corporis diffusum; ALPHA-GALACTOSIDASE A DEFICIENCY. Identifiers: Orphanet 324, MedGen C0002986, MONDO:0010526, OMIM 301500, HP:0001071. Disease mechanism: Fabry disease is due to inactivating mutations in the X-linked GLA gene resulting in deficiency of the enzyme Alpha Galactosidase-A., loss of function.

Submission:

Serv. Biochemistry and Molecular genetics, Hospital Clinic de Barcelona, Hospital Clínic de Barcelona
Classification: Pathogenic for Fabry disease. Last evaluated: 2026-05-21. Review status: criteria provided, single submitter. Criteria: ACMG Guidelines, 2015. Collection method: clinical testing. Allele origin: germline. Inheritance: X-linked inheritance. Affected: yes. Observed: 4 variant alleles. Clinical features observed: Chronic kidney disease (HP:0012622).
Comment: Classification reported in the manuscript using ACMG criteria/in silico tools: Pathogenic. Variant type: Deletion; amino acid change: p.Val124_Lys213del.

Literature cited by the submitters: PubMed 28941980; PubMed 2160973; PubMed 36165155.